The following is an entry in ClinVar:

NM_020070.4(IGLL1):c.253dup (p.Arg85fs)

Gene: IGLL1 (immunoglobulin lambda like polypeptide 1; minus strand). Cytogenetic location: 22q11.23.
Variant type: Duplication.
Coding change: c.253dup on transcript NM_020070.4 (MANE Select); coding-DNA position 253, one base duplicated (C; older notation c.253dupC).
Protein change: p.Arg85fs; shifts the reading frame from arginine 85.
Molecular consequence: frameshift variant. On other transcripts: intron variant (1).
Genome position (GRCh38, 1-based): chr22:23,575,036, G duplicated on the plus strand (C on the coding strand, the reverse complement: IGLL1 is on the minus strand); the first of 4 consecutive G bases (chr22:23,575,036-23,575,039); duplicating any one gives the same sequence. VCF-style (leftmost placement, unchanged base first): chr22-23575035-C-CG. GRCh37 (hg19) VCF-style: chr22-23917222-C-CG.
Other names: c.256dup, p.Arg86fs (NM_001369906.1); c.207-1451dup (NM_152855.3); short protein forms R86fs, R85fs.
Identifiers: ClinVar variation 3729337 (VCV003729337.2).

ClinVar aggregate classification (germline): Uncertain significance (1 of 4 stars; one submission).

Conditions:
Agammaglobulinemia 2, autosomal recessive (AGM2). Also called: AGAMMAGLOBULINEMIA, AUTOSOMAL RECESSIVE, DUE TO IGLL1 DEFECT. Identifiers: MedGen C3150750, MONDO:0013287, OMIM 613500.

Submission:

Labcorp Genetics (formerly Invitae), Labcorp
Classification: Uncertain significance for Agammaglobulinemia 2, autosomal recessive. Last evaluated: 2025-02-27. Review status: criteria provided, single submitter. Criteria: Invitae Variant Classification Sherloc (09022015). Collection method: clinical testing. Allele origin: germline.
Comment: This sequence change creates a premature translational stop signal (p.Arg85Profs*8) in the IGLL1 gene. While this is not anticipated to result in nonsense mediated decay, it is expected to disrupt the last 129 amino acid(s) of the IGLL1 protein. This variant is not present in population databases (gnomAD no frequency). This variant has not been reported in the literature in individuals affected with IGLL1-related conditions. Experimental studies and prediction algorithms are not available or were not evaluated, and the functional significance of this variant is currently unknown. In summary, the available evidence is currently insufficient to determine the role of this variant in disease. Therefore, it has been classified as a Variant of Uncertain Significance.